The following is an entry in ClinVar:

ClinVar aggregate classification (germline): Benign. Review status: criteria provided, multiple submitters, no conflicts (2 of 4 stars). 2 submissions from 2 submitters: Benign (2). Last evaluated 2018-01-12.

Conditions:
Pseudohypoaldosteronism type 2B (PHA2B). Also called: Pseudohypoaldosteronism Type IIB. Identifiers: Orphanet 757, Orphanet 88939, MedGen C1840390, MONDO:0013777, OMIM 614491.

Allele frequency attached by ClinVar (database versions not stated): gnomAD exomes 0.00138; 1000 Genomes Project 0.00739; 1000 Genomes Project 30x 0.00859; TOPMed 0.00905.
gnomAD v4.1: 1,681 of 454,366 alleles (0.37%); highest among the groups gnomAD compares: African/African-American, 2.6%; 16 homozygotes.

Submissions (2):

Illumina Laboratory Services, Illumina
Classification: Benign for Pseudohypoaldosteronism type 2B. Last evaluated: 2018-01-12. Review status: criteria provided, single submitter. Criteria: ICSL Variant Classification Criteria 13 December 2019. Collection method: clinical testing. Allele origin: germline.
Comment: This variant was observed in the ICSL laboratory as part of a predisposition screen in an ostensibly healthy population. It had not been previously curated by ICSL or reported in the Human Gene Mutation Database (HGMD: prior to June 1st, 2018), and was therefore a candidate for classification through an automated scoring system. Utilizing variant allele frequency, disease prevalence and penetrance estimates, and inheritance mode, an automated score was calculated to assess if this variant is too frequent to cause the disease. Based on the score and internal cut-off values, a variant classified as benign is not then subjected to further curation. The score for this variant resulted in a classification of benign for this disease.

Breakthrough Genomics
Classification: Benign. Review status: criteria provided, single submitter. Criteria: ACMG Guidelines, 2015. Collection method: not provided. Allele origin: germline. Inheritance: Autosomal dominant inheritance. Affected: yes.

NM_032387.5(WNK4):c.*335C>G

Gene: WNK4 (WNK lysine deficient protein kinase 4; plus strand). Cytogenetic location: 17q21.2.
Variant type: single nucleotide variant.
Coding change: c.*335C>G on transcript NM_032387.5 (MANE Select); 335 bases downstream of the stop codon, C replaced by G.
Molecular consequence: 3 prime UTR variant.
Genome position (GRCh38, 1-based): chr17:42,797,023, C>G. VCF-style: chr17-42797023-C-G. GRCh37 (hg19) VCF-style: chr17-40949041-C-G.
Other names: c.*335C>G (NM_001321299.2).
Identifiers: ClinVar variation 323357 (VCV000323357.6), dbSNP rs61755636, ClinGen allele CA10639719.
Genomic context (GRCh38, chr17:42,797,023, plus strand): 5'-CCAAGCCTGGATGCTTCTAGAGGGGCCCACTCCCAGCTGGGAGAGTGTAGGGGATATGCT[C>G]ACACCACATTAGCAGCAACCAATAAAAATGCTGGAAACAAGAACGCCGTGAATCCATATG-3'